The following is an entry in ClinVar:

ClinVar aggregate classification (germline): Uncertain significance (1 of 4 stars; one submission).

Conditions:
Alzheimer disease. Also called: Presenile and senile dementia; Alzheimer's disease. Identifiers: Orphanet 1020, MedGen C0002395, MeSH D000544, MONDO:0004975, HP:0002511.

Allele frequency attached by ClinVar (database versions not stated): gnomAD 0.00001.
gnomAD v4.1: 17 of 1,613,998 alleles (0.0011%); highest among the groups gnomAD compares: South Asian, 0.0033%; no homozygotes.

Submission:

Labcorp Genetics (formerly Invitae), Labcorp
Classification: Uncertain significance for Alzheimer disease. Last evaluated: 2023-11-14. Review status: criteria provided, single submitter. Criteria: Invitae Variant Classification Sherloc (09022015). Collection method: clinical testing. Allele origin: germline.
Comment: This sequence change replaces alanine, which is neutral and non-polar, with threonine, which is neutral and polar, at codon 524 of the APP protein (p.Ala524Thr). The frequency data for this variant in the population databases is considered unreliable, as metrics indicate poor data quality at this position in the gnomAD database. This variant has not been reported in the literature in individuals affected with APP-related conditions. ClinVar contains an entry for this variant (Variation ID: 2162880). Advanced modeling of protein sequence and biophysical properties (such as structural, functional, and spatial information, amino acid conservation, physicochemical variation, residue mobility, and thermodynamic stability) performed at Invitae indicates that this missense variant is not expected to disrupt APP protein function with a negative predictive value of 95%. In summary, the available evidence is currently insufficient to determine the role of this variant in disease. Therefore, it has been classified as a Variant of Uncertain Significance.

NM_000484.4(APP):c.1570G>A (p.Ala524Thr)

Genes: APP (amyloid beta precursor protein; minus strand), LOC126653330 (CDK7 strongly-dependent group 2 enhancer GRCh37_chr21:27326978-27328177; plus strand). Cytogenetic location: 21q21.3.
Variant type: single nucleotide variant.
Coding change: c.1570G>A on transcript NM_000484.4 (MANE Select); coding-DNA position 1570, G replaced by A.
Protein change: p.Ala524Thr; replaces alanine 524 with threonine.
Molecular consequence: missense variant.
Genome position (GRCh38, 1-based): chr21:25,955,644, C>T on the plus strand (G>A on the coding strand, the complement: APP is on the minus strand). VCF-style: chr21-25955644-C-T. GRCh37 (hg19) VCF-style: chr21-27327958-C-T.
Other names: c.1498G>A, p.Ala500Thr (NM_001136016.3); c.1177G>A, p.Ala393Thr (NM_001136129.3); c.1402G>A, p.Ala468Thr (NM_001136130.3, NM_001385253.1); c.1240G>A, p.Ala414Thr (NM_001136131.3); c.1570G>A, p.Ala524Thr (NM_001204301.2); c.1513G>A, p.Ala505Thr (NM_001204302.2, NM_201413.3); c.1345G>A, p.Ala449Thr (NM_001204303.2, NM_201414.3); short protein forms A393T, A414T, A468T, A449T, A500T, A505T, A524T.
Identifiers: ClinVar variation 2162880 (VCV002162880.4), dbSNP rs199521746, ClinGen allele CA9987280.
Genomic context (GRCh38, chr21:25,955,644, plus strand): 5'-TGGATTGTCAAAGCTGCAGAAGATGATTATACCCCACGCTTACCTGGGACCGGATCTGAG[C>T]GGCTTTCTTGGGATCCACCATGCGCACATGCTCGAAATGCTTTAGGGTGTGCTGTCTGTC-3'
Protein context (NP_000475.1, residues 514-534): HVRMVDPKKA[Ala524Thr]QIRSQVMTHL